The following is an entry in ClinVar:

NM_005359.6(SMAD4):c.1058A>G (p.Tyr353Cys)

Gene: SMAD4 (SMAD family member 4; plus strand). Cytogenetic location: 18q21.2.
Variant type: single nucleotide variant.
Coding change: c.1058A>G on transcript NM_005359.6 (MANE Select); coding-DNA position 1058, A replaced by G.
Protein change: p.Tyr353Cys; replaces tyrosine 353 with cysteine.
Molecular consequence: missense variant.
Genome position (GRCh38, 1-based): chr18:51,065,525, A>G. VCF-style: chr18-51065525-A-G. GRCh37 (hg19) VCF-style: chr18-48591895-A-G.
Other names: c.1058A>G (NM_005359.5); short protein forms Y353C.
Identifiers: ClinVar variation 597824 (VCV000597824.16), dbSNP rs377767346, ClinGen allele CA402464297.

ClinVar aggregate classification (germline): Likely pathogenic. Review status: criteria provided, multiple submitters, no conflicts (2 of 4 stars). 5 submissions from 5 submitters: Likely pathogenic (4). 1 of the submissions does not count toward it. Last evaluated 2025-07-16.

Conditions:
Hereditary cancer-predisposing syndrome. Also called: Hereditary neoplastic syndrome; Neoplastic Syndromes, Hereditary; Tumor predisposition; Hereditary Cancer Syndrome. Identifiers: Orphanet 140162, MedGen C0027672, MeSH D009386, MONDO:0015356.
Familial thoracic aortic aneurysm and aortic dissection (TAAD). Also called: Thoracic aortic aneurysms and dissections. Identifiers: Orphanet 91387, MedGen C4707243, MONDO:0019625.
Juvenile polyposis syndrome (JPS). Identifiers: Orphanet 2929, MedGen C0345893, MONDO:0017380, OMIM 174900.
Juvenile polyposis/hereditary hemorrhagic telangiectasia syndrome (JPHT). Also called: Juvenile Polyposis Syndrome / Hereditary Hemorrhagic Telangiectasia (JPS/HHT); JP/HHT SYNDROME; JUVENILE POLYPOSIS WITH HEREDITARY HEMORRHAGIC TELANGIECTASIA; POLYPOSIS, GENERALIZED JUVENILE, WITH PULMONARY ARTERIOVENOUS MALFORMATION; TELANGIECTASIA, HEREDITARY HEMORRHAGIC, WITH JUVENILE POLYPOSIS COLI. Identifiers: Orphanet 2929, MedGen C1832942, MONDO:0008278, OMIM 175050.

Submissions (5):

Myriad Genetics, Inc.
Classification: Likely pathogenic for Juvenile polyposis/hereditary hemorrhagic telangiectasia syndrome. Last evaluated: 2025-07-16. Review status: criteria provided, single submitter. Criteria: Myriad Autosomal Dominant, Autosomal Recessive and X-Linked Classification Criteria (2023). Collection method: clinical testing. Allele origin: unknown.
Comment: This variant is considered likely pathogenic. This variant has been reported in multiple individuals with clinical features of gene-specific disease [PMID: 32573726, Myriad internal data, personal communication 2025]. Functional studies indicate this variant impacts protein function [PMID: 31684910]. This variant is expected to disrupt protein structure [Myriad internal data].

Ambry Genetics
Classification: Likely pathogenic for Hereditary cancer-predisposing syndrome; Familial thoracic aortic aneurysm and aortic dissection. Last evaluated: 2024-10-29. Review status: criteria provided, single submitter. Criteria: Ambry Variant Classification Scheme 2023. Collection method: clinical testing. Allele origin: germline.
Comment: The p.Y353C variant (also known as c.1058A>G), located in coding exon 8 of the SMAD4 gene, results from an A to G substitution at nucleotide position 1058. The tyrosine at codon 353 is replaced by cysteine, an amino acid with highly dissimilar properties. This alteration has been detected in an individual diagnosed with hereditary hemorrhagic telangiectasia (Shovlin CL et al. Blood, 2020 Oct;136:1907-1918). This amino acid position is highly conserved in available vertebrate species. In addition, this alteration is predicted to be deleterious by in silico analysis. This missense alteration is located in a region that has a low rate of benign missense variation (Lek M et al. Nature. 2016 Aug 18;536(7616):285-91; DECIPHER: Database of Chromosomal Imbalance and Phenotype in Humans using Ensembl Resources. Firth H.V. et al. 2009. Am.J.Hum.Genet. 84, 524-533 (DOI)). This variant is considered to be rare based on population cohorts in the Genome Aggregation Database (gnomAD). Based on the majority of available evidence to date, this variant is likely to be pathogenic.

Labcorp Genetics (formerly Invitae), Labcorp
Classification: Likely pathogenic for Juvenile polyposis syndrome. Last evaluated: 2021-03-30. Review status: criteria provided, single submitter. Criteria: Invitae Variant Classification Sherloc (09022015). Collection method: clinical testing. Allele origin: germline.
Comment: This sequence change replaces tyrosine with cysteine at codon 353 of the SMAD4 protein (p.Tyr353Cys). The tyrosine residue is highly conserved and there is a large physicochemical difference between tyrosine and cysteine. This variant is not present in population databases (ExAC no frequency). This variant has been observed in individual(s) with clinical features of juvenile polyposis (Invitae). In at least one individual the variant was observed to be de novo. ClinVar contains an entry for this variant (Variation ID: 597824). This variant has been reported to affect SMAD4 protein function (PMID: 31684910). In summary, the currently available evidence indicates that the variant is pathogenic, but additional data are needed to prove that conclusively. Therefore, this variant has been classified as Likely Pathogenic.

NIHR Bioresource Rare Diseases, University of Cambridge
Classification: Likely pathogenic for Juvenile polyposis/hereditary hemorrhagic telangiectasia syndrome. Last evaluated: 2018-01-01. Review status: criteria provided, single submitter. Criteria: ACMG Guidelines, 2015. Collection method: research. Allele origin: unknown. Affected: yes. Observed: 1 variant allele.
Comment: PM2+PM1+PP2+PP4

Eurofins Ntd Llc (ga)
Classification: Uncertain significance. Last evaluated: 2018-07-03. Review status: flagged submission. Criteria: EGL ClinVar v180209 classification definitions. Collection method: clinical testing. Allele origin: germline. Observed: 1 variant allele, 1 heterozygote. Not counted in ClinVar's aggregate classification.
ClinVar note: Reason: Outlier claim with insufficient supporting evidence

Literature cited by the submitters: PubMed 32573726 (cited by 3 submitters); PubMed 31684910 (cited by Myriad Genetics, Inc. and Labcorp Genetics (formerly Invitae), Labcorp).